The following is an entry in ClinVar:

ClinVar aggregate classification (germline): Pathogenic. Review status: criteria provided, multiple submitters, no conflicts (2 of 4 stars). 2 submissions from 2 submitters: Pathogenic (2). Last evaluated 2024-10-04.

Conditions:
Kabuki syndrome 1 (KABUK1). Also called: KMT2D-Related Kabuki Syndrome. Identifiers: Orphanet 2322, MedGen CN030661, MONDO:0007843, OMIM 147920.
Branchial cleft anomaly. Also called: BRANCHIAL CLEFT ANOMALIES; Branchial Cleft Remnant. Identifiers: MedGen C0079037, OMIM 113600.

Submissions (2):

Dubai Health Genomic Medicine Center, Dubai Health
Classification: Pathogenic for BRANCHIAL CLEFT ANOMALIES. Last evaluated: 2024-10-04. Review status: criteria provided, single submitter. Criteria: ACMG Guidelines, 2015. Collection method: research. Allele origin: germline. Affected: yes.
Comment: PVS1,PS2,PM2

Laboratory of Medical Genetics, National & Kapodistrian University of Athens
Classification: Pathogenic for Kabuki syndrome 1. Last evaluated: 2018-07-04. Review status: criteria provided, single submitter. Criteria: ACMG Guidelines, 2015. Collection method: clinical testing. Allele origin: de novo. Affected: yes.
Comment: PVS1, PM2, PP4

NM_003482.4(KMT2D):c.2579del (p.Leu860fs)

Gene: KMT2D (lysine methyltransferase 2D; minus strand). Cytogenetic location: 12q13.12.
Variant type: Deletion.
Coding change: c.2579del on transcript NM_003482.4 (MANE Select); coding-DNA position 2579, one base deleted (T; older notation c.2579delT).
Protein change: p.Leu860fs; shifts the reading frame from leucine 860.
Molecular consequence: frameshift variant.
Genome position (GRCh38, 1-based): chr12:49,051,104, A deleted on the plus strand (T on the coding strand, the reverse complement: KMT2D is on the minus strand). VCF-style (leftmost placement, unchanged base first): chr12-49051103-CA-C. GRCh37 (hg19) VCF-style: chr12-49444886-CA-C.
Other names: c.2579delT (NM_003482.3); short protein forms L860fs.
Identifiers: ClinVar variation 637044 (VCV000637044.2), dbSNP rs1592153986, ClinGen allele CA915948535.